The following is an entry in ClinVar:

ClinVar aggregate classification (germline): Uncertain significance (1 of 4 stars; one submission).

Allele frequency attached by ClinVar (database versions not stated): gnomAD exomes below 0.00001.
gnomAD v4.1: 3 of 1,613,884 alleles (0.00019%); highest among the groups gnomAD compares: South Asian, 0.0033%; no homozygotes.

Submission:

Ambry Genetics
Classification: Uncertain significance. Last evaluated: 2022-06-12. Review status: criteria provided, single submitter. Criteria: Ambry Variant Classification Scheme 2023. Collection method: clinical testing. Allele origin: germline.
Comment: The p.A668V variant (also known as c.2003C>T), located in coding exon 10 of the PALLD gene, results from a C to T substitution at nucleotide position 2003. The alanine at codon 668 is replaced by valine, an amino acid with similar properties. This amino acid position is conserved. In addition, this alteration is predicted to be tolerated by in silico analysis. Since supporting evidence is limited at this time, the clinical significance of this alteration remains unclear.

NM_001166108.2(PALLD):c.2003C>T (p.Ala668Val)

Gene: PALLD (palladin, cytoskeletal associated protein; plus strand). Cytogenetic location: 4q32.3.
Variant type: single nucleotide variant.
Coding change: c.2003C>T on transcript NM_001166108.2 (MANE Select); coding-DNA position 2003, C replaced by T.
Protein change: p.Ala668Val; replaces alanine 668 with valine.
Molecular consequence: missense variant. On other transcripts: 5 prime UTR variant (4).
Genome position (GRCh38, 1-based): chr4:168,890,960, C>T. VCF-style: chr4-168890960-C-T. GRCh37 (hg19) VCF-style: chr4-169812111-C-T.
Other names: c.857C>T, p.Ala286Val (NM_001166109.2); c.542C>T, p.Ala181Val (NM_001166110.2); c.-119C>T (NM_001367567.1, NM_001367568.1, NM_001367569.1 and 1 more transcripts); c.2003C>T, p.Ala668Val (NM_016081.4); short protein forms A181V, A286V, A668V.
Identifiers: ClinVar variation 1784280 (VCV001784280.2), dbSNP rs2533587009, ClinGen allele CA358797136.